The following is an entry in ClinVar:

NM_005354.6(JUND):c.267C>T (p.Ala89=)

Gene: JUND (JunD proto-oncogene, AP-1 transcription factor subunit; minus strand). Cytogenetic location: 19p13.11.
Variant type: single nucleotide variant.
Coding change: c.267C>T on transcript NM_005354.6 (MANE Select); coding-DNA position 267, C replaced by T.
Protein change: p.Ala89=; no amino-acid change (alanine 89 retained).
Molecular consequence: synonymous variant.
Genome position (GRCh38, 1-based): chr19:18,281,218, G>A on the plus strand (C>T on the coding strand, the complement: JUND is on the minus strand). VCF-style: chr19-18281218-G-A. GRCh37 (hg19) VCF-style: chr19-18392028-G-A.
Other names: c.138C>T, p.Ala46= (NM_001286968.2).
Identifiers: ClinVar variation 2649580 (VCV002649580.24), dbSNP rs768169580, ClinGen allele CA9310016.

ClinVar aggregate classification (germline): Likely benign (1 of 4 stars; one submission).

Allele frequency attached by ClinVar (database versions not stated): gnomAD 0.00001; TOPMed 0.00001; gnomAD exomes 0.00002; ExAC 0.00005.
gnomAD v4.1: 32 of 1,504,238 alleles (0.0021%); highest among the groups gnomAD compares: South Asian, 0.012%; no homozygotes.

Submission:

CeGaT Center for Human Genetics Tuebingen
Classification: Likely benign. Last evaluated: 2022-08-01. Review status: criteria provided, single submitter. Criteria: CeGaT Center For Human Genetics Tuebingen Variant Classification Criteria Version 2. Collection method: clinical testing. Allele origin: germline. Affected: yes. Observed: 1 variant allele.
Comment: JUND: BP4, BP7